The following is an entry in ClinVar:

ClinVar aggregate classification (germline): Pathogenic. Review status: criteria provided, single submitter (1 of 4 stars). 2 submissions from 1 submitter: Pathogenic (2). Last evaluated 2023-02-06.

Conditions:
Marfan syndrome (MFS). Also called: Marfan syndrome, classic; Marfan syndrome type 1; Marfan's syndrome; MARFAN SYNDROME, TYPE I; FBN1-Related Marfan Syndrome. Identifiers: Orphanet 284963, Orphanet 558, MedGen C0024796, MONDO:0007947, OMIM 154700.
Familial thoracic aortic aneurysm and aortic dissection (TAAD). Also called: Thoracic aortic aneurysms and dissections. Identifiers: Orphanet 91387, MedGen C4707243, MONDO:0019625.

Submissions (2):

Labcorp Genetics (formerly Invitae), Labcorp
Classification: Pathogenic for Marfan syndrome; Familial thoracic aortic aneurysm and aortic dissection. Last evaluated: 2023-02-06. Review status: criteria provided, single submitter. Criteria: Invitae Variant Classification Sherloc (09022015). Collection method: clinical testing. Allele origin: germline.
Comment: For these reasons, this variant has been classified as Pathogenic. This sequence change creates a premature translational stop signal (p.Thr1299Asnfs*10) in the FBN1 gene. It is expected to result in an absent or disrupted protein product. Loss-of-function variants in FBN1 are known to be pathogenic (PMID: 17657824, 19293843). This variant is not present in population databases (gnomAD no frequency). This variant has not been reported in the literature in individuals affected with FBN1-related conditions. ClinVar contains an entry for this variant (Variation ID: 406373).

Labcorp Genetics (formerly Invitae), Labcorp
Classification: Pathogenic for Marfan syndrome. Last evaluated: 2016-07-15. Review status: criteria provided, single submitter. Criteria: Invitae Variant Classification Sherloc (09022015). Collection method: clinical testing. Allele origin: germline.
Comment: This sequence change inserts 1 nucleotide in exon 32 of the FBN1 mRNA (c.3895dupA), causing a frameshift at codon 1299. This creates a premature translational stop signal (p.Thr1299Asnfs*10) and is expected to result in an absent or disrupted protein product. While this particular variant has not been reported in the literature, loss-of-function variants in FBN1 are known to be pathogenic (PMID: 17657824, 19293843). For these reasons, this variant has been classified as Pathogenic.

Literature cited by the submitters: PubMed 17657824; PubMed 19293843.

NM_000138.5(FBN1):c.3895dup (p.Thr1299fs)

Gene: FBN1 (fibrillin 1; minus strand). Cytogenetic location: 15q21.1.
Variant type: Duplication.
Coding change: c.3895dup on transcript NM_000138.5 (MANE Select); coding-DNA position 3895, one base duplicated (A; older notation c.3895dupA).
Protein change: p.Thr1299fs; shifts the reading frame from threonine 1299.
Molecular consequence: frameshift variant.
Genome position (GRCh38, 1-based): chr15:48,481,724, T duplicated on the plus strand (A on the coding strand, the reverse complement: FBN1 is on the minus strand). VCF-style (leftmost placement, unchanged base first): chr15-48481723-G-GT. GRCh37 (hg19) VCF-style: chr15-48773920-G-GT.
Other names: c.3895dupA (NM_000138.4); short protein forms T1299fs.
Identifiers: ClinVar variation 406373 (VCV000406373.7), dbSNP rs1555398160, ClinGen allele CA16614651.
Genomic context (GRCh38, chr15:48,481,723, plus strand): 5'-CCAGTTTTTCCTTTTTTGCCGGAGTAGCCCATATCACAGTGGCAGATAAATGAGCCTTTC[G>GT]TGTTTTCACAGGTCCCACTTAGGCAGATATTTGGATTCAGGTCACACTCATTGACATCTG-3'